The following is an entry in ClinVar:

NM_015378.4(VPS13D):c.11465A>T (p.Asp3822Val)

Gene: VPS13D (vacuolar protein sorting 13 homolog D; plus strand). Cytogenetic location: 1p36.22.
Variant type: single nucleotide variant.
Coding change: c.11465A>T on transcript NM_015378.4 (MANE Select); coding-DNA position 11465, A replaced by T.
Protein change: p.Asp3822Val; replaces aspartic acid 3822 with valine.
Molecular consequence: missense variant.
Genome position (GRCh38, 1-based): chr1:12,385,354, A>T. VCF-style: chr1-12385354-A-T. GRCh37 (hg19) VCF-style: chr1-12445413-A-T.
Other names: c.11390A>T, p.Asp3797Val (NM_018156.4); short protein forms D3797V, D3822V.
Identifiers: ClinVar variation 2012977 (VCV002012977.4), dbSNP rs1275212646, ClinGen allele CA338501744.

ClinVar aggregate classification (germline): Uncertain significance (1 of 4 stars; one submission).

Submission:

Labcorp Genetics (formerly Invitae), Labcorp
Classification: Uncertain significance. Last evaluated: 2022-07-01. Review status: criteria provided, single submitter. Criteria: Invitae Variant Classification Sherloc (09022015). Collection method: clinical testing. Allele origin: germline.
Comment: In summary, the available evidence is currently insufficient to determine the role of this variant in disease. Therefore, it has been classified as a Variant of Uncertain Significance. Algorithms developed to predict the effect of missense changes on protein structure and function output the following: SIFT: "Not Available"; PolyPhen-2: "Possibly Damaging"; Align-GVGD: "Not Available". The valine amino acid residue is found in multiple mammalian species, which suggests that this missense change does not adversely affect protein function. This variant has not been reported in the literature in individuals affected with VPS13D-related conditions. This variant is not present in population databases (gnomAD no frequency). This sequence change replaces aspartic acid, which is acidic and polar, with valine, which is neutral and non-polar, at codon 3822 of the VPS13D protein (p.Asp3822Val).